The following is an entry in ClinVar:

NM_005670.4(EPM2A):c.11G>A (p.Arg4His)

Genes: EPM2A (EPM2A glucan phosphatase, laforin; minus strand), EPM2A-DT (EPM2A divergent transcript; plus strand), LOC129997381 (ATAC-STARR-seq lymphoblastoid silent region 17642; plus strand). Cytogenetic location: 6q24.3.
Variant type: single nucleotide variant.
Coding change: c.11G>A on transcript NM_005670.4 (MANE Select); coding-DNA position 11, G replaced by A.
Protein change: p.Arg4His; replaces arginine 4 with histidine.
Molecular consequence: missense variant. On other transcripts: 5 prime UTR variant (3), intron variant (1).
Genome position (GRCh38, 1-based): chr6:145,735,488, C>T on the plus strand (G>A on the coding strand, the complement: EPM2A is on the minus strand). VCF-style: chr6-145735488-C-T. GRCh37 (hg19) VCF-style: chr6-146056624-C-T.
Other names: c.11G>A, p.Arg4His (NM_001018041.2, NM_001360057.2, NM_001368130.1); c.-659G>A (NM_001360071.2); c.-613G>A (NM_001368129.2); c.-357G>A (NM_001368131.1); c.-114+420G>A (NM_001360064.2); short protein forms R4H.
Identifiers: ClinVar variation 2161448 (VCV002161448.4), dbSNP rs2534176109, ClinGen allele CA366188740.
Genomic context (GRCh38, chr6:145,735,488, plus strand): 5'-CCCACCACCAGCAGCTCCGGCCGGGCGCCGGCCACGGCGGGTGGCACCACCACCCCAAAG[C>T]GGAAGCGCATGGCGGGCGGCGGCGGCGCGAATACCCGGGCCCGGAGTCCCCGCGGCCGGC-3'
Protein context (NP_005661.1, residues 1-14): MRF[Arg4His]FGVVVPPAVA

ClinVar aggregate classification (germline): Uncertain significance (1 of 4 stars; one submission).

Conditions:
Progressive myoclonic epilepsy. Also called: Familial progressive myoclonic epilepsy; Myoclonic Epilepsies, Progressive; Myoclonus epilepsy; Progressive myoclonus epilepsy. Identifiers: Orphanet 308, Orphanet 98261, MedGen C0751778, MONDO:0020074.

Submission:

Labcorp Genetics (formerly Invitae), Labcorp
Classification: Uncertain significance for Progressive myoclonic epilepsy. Last evaluated: 2021-11-30. Review status: criteria provided, single submitter. Criteria: Invitae Variant Classification Sherloc (09022015). Collection method: clinical testing. Allele origin: germline.
Comment: This sequence change replaces arginine, which is basic and polar, with histidine, which is basic and polar, at codon 4 of the EPM2A protein (p.Arg4His). This variant is not present in population databases (gnomAD no frequency). This variant has not been reported in the literature in individuals affected with EPM2A-related conditions. Algorithms developed to predict the effect of missense changes on protein structure and function are either unavailable or do not agree on the potential impact of this missense change (SIFT: "Deleterious"; PolyPhen-2: "Not Available"; Align-GVGD: "Class C0"). In summary, the available evidence is currently insufficient to determine the role of this variant in disease. Therefore, it has been classified as a Variant of Uncertain Significance.